The following is an entry in ClinVar:

NM_012062.5(DNM1L):c.2135A>C (p.Glu712Ala)

Gene: DNM1L (dynamin 1 like; plus strand). Cytogenetic location: 12p11.21.
Variant type: single nucleotide variant.
Coding change: c.2135A>C on transcript NM_012062.5 (MANE Select); coding-DNA position 2135, A replaced by C.
Protein change: p.Glu712Ala; replaces glutamic acid 712 with alanine.
Molecular consequence: missense variant.
Genome position (GRCh38, 1-based): chr12:32,742,729, A>C. VCF-style: chr12-32742729-A-C. GRCh37 (hg19) VCF-style: chr12-32895663-A-C.
Other names: c.2102A>C, p.Glu701Ala (NM_001278463.2); c.2174A>C, p.Glu725Ala (NM_001278464.2); c.2141A>C, p.Glu714Ala (NM_001278465.2); c.1526A>C, p.Glu509Ala (NM_001278466.2); c.2063A>C, p.Glu688Ala (NM_001330380.2); c.2024A>C, p.Glu675Ala (NM_005690.5); c.2057A>C, p.Glu686Ala (NM_012063.4); short protein forms E712A, E675A, E509A, E688A, E701A, E714A, E686A, E725A.
Identifiers: ClinVar variation 618068 (VCV000618068.12), dbSNP rs759154998, ClinGen allele CA6507768.

ClinVar aggregate classification (germline): Uncertain significance. Review status: criteria provided, multiple submitters, no conflicts (2 of 4 stars). 2 submissions from 2 submitters: Uncertain significance (2). Last evaluated 2023-01-05.

Allele frequency attached by ClinVar (database versions not stated): ExAC 0.00001; gnomAD exomes 0.00001; gnomAD 0.00002; TOPMed 0.00002.
gnomAD v4.1: 20 of 1,613,986 alleles (0.0012%); highest among the groups gnomAD compares: South Asian, 0.0033%; no homozygotes.

Submissions (2):

Labcorp Genetics (formerly Invitae), Labcorp
Classification: Uncertain significance. Last evaluated: 2023-01-05. Review status: criteria provided, single submitter. Criteria: Invitae Variant Classification Sherloc (09022015). Collection method: clinical testing. Allele origin: germline.
Comment: In summary, the available evidence is currently insufficient to determine the role of this variant in disease. Therefore, it has been classified as a Variant of Uncertain Significance. Algorithms developed to predict the effect of missense changes on protein structure and function are either unavailable or do not agree on the potential impact of this missense change (SIFT: "Tolerated"; PolyPhen-2: "Possibly Damaging"; Align-GVGD: "Class C0"). ClinVar contains an entry for this variant (Variation ID: 618068). This variant has not been reported in the literature in individuals affected with DNM1L-related conditions. This variant is present in population databases (rs759154998, gnomAD 0.005%). This sequence change replaces glutamic acid, which is acidic and polar, with alanine, which is neutral and non-polar, at codon 712 of the DNM1L protein (p.Glu712Ala).

ARUP Laboratories, Molecular Genetics and Genomics, ARUP Laboratories
Classification: Uncertain significance. Last evaluated: 2017-07-11. Review status: criteria provided, single submitter. Criteria: ARUP Molecular Germline Variant Investigation Process. Collection method: clinical testing. Allele origin: germline.
Comment: The p.Glu712Ala variant (rs759154998) has not been reported in the medical literature, is not listed in gene-specific variant databases, nor has it been previously identified in our laboratory. It is listed in the Genome Aggregation Database (gnomAD) browser with an overall frequency of 0.001% (identified in 3 out of 277,702 chromosomes). The glutamic acid at codon 712 is moderately conserved considering 13 species (Alamut software v2.9), and computational analyses return mixed results regarding the effect of this variant on DNM1L protein structure/function (SIFT: tolerated, PolyPhen2: probably damaging, and Mutation Taster: disease causing). Thus, based on the available information, the clinical significance of the p.Glu712Ala variant cannot be determined with certainty.